The following is an entry in ClinVar:

NM_001148.6(ANK2):c.10831G>A (p.Asp3611Asn)

Gene: ANK2 (ankyrin 2; plus strand). Cytogenetic location: 4q26.
Variant type: single nucleotide variant.
Coding change: c.10831G>A on transcript NM_001148.6 (MANE Select); coding-DNA position 10831, G replaced by A.
Protein change: p.Asp3611Asn; replaces aspartic acid 3611 with asparagine.
Molecular consequence: missense variant.
Genome position (GRCh38, 1-based): chr4:113,363,412, G>A. VCF-style: chr4-113363412-G-A. GRCh37 (hg19) VCF-style: chr4-114284568-G-A.
Other names: c.4447G>A, p.Asp1483Asn (NM_001354272.2); c.4276G>A, p.Asp1426Asn (NM_001354273.2); c.4342G>A, p.Asp1448Asn (NM_001354274.2, NM_001386154.1); c.4414G>A, p.Asp1472Asn (NM_001354275.2, NM_001354245.2, NM_001354262.2); c.4390G>A, p.Asp1464Asn (NM_001354276.2, NM_001386162.1, NM_001354249.2 and 2 more transcripts); c.4192G>A, p.Asp1398Asn (NM_001354277.2, NM_001386157.1); c.2104G>A, p.Asp702Asn (NM_001354278.2, NM_001354281.2); c.2140G>A, p.Asp714Asn (NM_001354279.2, NM_001354282.2); and 35 more; short protein forms D1479N, D1481N, D1483N, D1492N, D1493N, D1504N, D1505N, D1509N.
Identifiers: ClinVar variation 1022972 (VCV001022972.8), dbSNP rs369777545, ClinGen allele CA3052140.

ClinVar aggregate classification (germline): Uncertain significance. Review status: criteria provided, multiple submitters, no conflicts (2 of 4 stars). 3 submissions from 3 submitters: Uncertain significance (3). Last evaluated 2025-10-27.

Conditions:
Cardiovascular phenotype. Identifiers: MedGen CN230736.
Long QT syndrome (LQTS). Identifiers: MedGen C0023976, MeSH D008133, MONDO:0002442. Disease mechanism: loss of function. Inheritance: Various modes of inheritance.

Allele frequency attached by ClinVar (database versions not stated): TOPMed 0.00006; ESP Exome Variant Server 0.00008.
gnomAD v4.1: 11 of 1,613,426 alleles (0.00068%); highest among the groups gnomAD compares: Admixed American, 0.0067%; no homozygotes.

Submissions (3):

Ambry Genetics
Classification: Uncertain significance for Cardiovascular phenotype. Last evaluated: 2025-10-27. Review status: criteria provided, single submitter. Criteria: Ambry Variant Classification Scheme 2023. Collection method: clinical testing. Allele origin: germline.
Comment: The p.D3611N variant (also known as c.10831G>A), located in coding exon 40 of the ANK2 gene, results from a G to A substitution at nucleotide position 10831. The aspartic acid at codon 3611 is replaced by asparagine, an amino acid with highly similar properties. This amino acid position is well conserved in available vertebrate species. In addition, the in silico prediction for this alteration is inconclusive. Based on the available evidence, the clinical significance of this variant remains unclear.

Labcorp Genetics (formerly Invitae), Labcorp
Classification: Uncertain significance for Long QT syndrome. Last evaluated: 2025-08-13. Review status: criteria provided, single submitter. Criteria: Invitae Variant Classification Sherloc (09022015). Collection method: clinical testing. Allele origin: germline.
Comment: This sequence change replaces aspartic acid, which is acidic and polar, with asparagine, which is neutral and polar, at codon 3611 of the ANK2 protein (p.Asp3611Asn). This variant is present in population databases (rs369777545, gnomAD 0.007%). This missense change has been observed in individual(s) with Brugada syndrome (PMID: 26220970). ClinVar contains an entry for this variant (Variation ID: 1022972). Invitae Evidence Modeling of protein sequence and biophysical properties (such as structural, functional, and spatial information, amino acid conservation, physicochemical variation, residue mobility, and thermodynamic stability) has been performed for this missense variant. However, the output from this modeling did not meet the statistical confidence thresholds required to predict the impact of this variant on ANK2 protein function. In summary, the available evidence is currently insufficient to determine the role of this variant in disease. Therefore, it has been classified as a Variant of Uncertain Significance.

GeneDx
Classification: Uncertain significance. Last evaluated: 2020-06-04. Review status: criteria provided, single submitter. Criteria: GeneDx Variant Classification Process June 2021. Collection method: clinical testing. Allele origin: germline. Affected: yes.
Comment: Not observed in large population cohorts (Lek et al., 2016); In silico analysis supports that this missense variant has a deleterious effect on protein structure/function; This variant is associated with the following publications: (PMID: 26220970)

Literature cited by the submitters: PubMed 26220970 (cited by Labcorp Genetics (formerly Invitae), Labcorp).